The following is an entry in ClinVar:

ClinVar aggregate classification (germline): Uncertain significance (1 of 4 stars; one submission).

Allele frequency attached by ClinVar (database versions not stated): gnomAD 0.00001; TOPMed 0.00001.
gnomAD v4.1: 7 of 1,613,162 alleles (0.00043%); highest among the groups gnomAD compares: Non-Finnish European, 0.00059%; no homozygotes.

Submission:

Labcorp Genetics (formerly Invitae), Labcorp
Classification: Uncertain significance. Last evaluated: 2024-02-17. Review status: criteria provided, single submitter. Criteria: Invitae Variant Classification Sherloc (09022015). Collection method: clinical testing. Allele origin: germline.
Comment: This sequence change replaces aspartic acid, which is acidic and polar, with glutamic acid, which is acidic and polar, at codon 779 of the ITGAM protein (p.Asp779Glu). This variant is not present in population databases (gnomAD no frequency). This variant has not been reported in the literature in individuals affected with ITGAM-related conditions. An algorithm developed to predict the effect of missense changes on protein structure and function (PolyPhen-2) suggests that this variant is likely to be disruptive. In summary, the available evidence is currently insufficient to determine the role of this variant in disease. Therefore, it has been classified as a Variant of Uncertain Significance.

NM_000632.4(ITGAM):c.2337C>A (p.Asp779Glu)

Gene: ITGAM (integrin subunit alpha M; plus strand). Cytogenetic location: 16p11.2.
Variant type: single nucleotide variant.
Coding change: c.2337C>A on transcript NM_000632.4 (MANE Select); coding-DNA position 2337, C replaced by A.
Protein change: p.Asp779Glu; replaces aspartic acid 779 with glutamic acid.
Molecular consequence: missense variant.
Genome position (GRCh38, 1-based): chr16:31,325,005, C>A. VCF-style: chr16-31325005-C-A. GRCh37 (hg19) VCF-style: chr16-31336326-C-A.
Other names: c.2340C>A, p.Asp780Glu (NM_001145808.2); short protein forms D779E, D780E.
Identifiers: ClinVar variation 2962361 (VCV002962361.3), dbSNP rs1225575762, ClinGen allele CA395690117.